The following is an entry in ClinVar:

ClinVar aggregate classification (germline): Uncertain significance. Review status: criteria provided, multiple submitters, no conflicts (2 of 4 stars). 2 submissions from 2 submitters: Uncertain significance (2). Last evaluated 2023-12-29.

Conditions:
Charcot-Marie-Tooth disease type 2. Also called: Charcot-Marie-Tooth type 2. Identifiers: Orphanet 64746, MedGen C0270914, MONDO:0018993.

Submissions (2):

Ambry Genetics
Classification: Uncertain significance. Last evaluated: 2023-12-29. Review status: criteria provided, single submitter. Criteria: Ambry Variant Classification Scheme 2023. Collection method: clinical testing. Allele origin: germline.
Comment: The p.L1232F variant (also known as c.3696G>T), located in coding exon 33 of the KIF1B gene, results from a G to T substitution at nucleotide position 3696. The leucine at codon 1232 is replaced by phenylalanine, an amino acid with highly similar properties. This amino acid position is conserved. In addition, this alteration is predicted to be tolerated by in silico analysis. Since supporting evidence is limited at this time, the clinical significance of this alteration remains unclear.

Labcorp Genetics (formerly Invitae), Labcorp
Classification: Uncertain significance for Charcot-Marie-Tooth disease type 2. Last evaluated: 2022-05-15. Review status: criteria provided, single submitter. Criteria: Invitae Variant Classification Sherloc (09022015). Collection method: clinical testing. Allele origin: germline.
Comment: This sequence change replaces leucine, which is neutral and non-polar, with phenylalanine, which is neutral and non-polar, at codon 1232 of the KIF1B protein (p.Leu1232Phe). This variant is not present in population databases (gnomAD no frequency). This variant has not been reported in the literature in individuals affected with KIF1B-related conditions. Algorithms developed to predict the effect of missense changes on protein structure and function are either unavailable or do not agree on the potential impact of this missense change (SIFT: "Tolerated"; PolyPhen-2: "Possibly Damaging"; Align-GVGD: "Class C0"). In summary, the available evidence is currently insufficient to determine the role of this variant in disease. Therefore, it has been classified as a Variant of Uncertain Significance.

NM_001365951.3(KIF1B):c.3834G>T (p.Leu1278Phe)

Gene: KIF1B (kinesin family member 1B; plus strand). Cytogenetic location: 1p36.22.
Variant type: single nucleotide variant.
Coding change: c.3834G>T on transcript NM_001365951.3 (MANE Select); coding-DNA position 3834, G replaced by T.
Protein change: p.Leu1278Phe; replaces leucine 1278 with phenylalanine.
Molecular consequence: missense variant.
Genome position (GRCh38, 1-based): chr1:10,347,797, G>T. VCF-style: chr1-10347797-G-T. GRCh37 (hg19) VCF-style: chr1-10407855-G-T.
Other names: c.3834G>T, p.Leu1278Phe (NM_001365952.1); c.3696G>T, p.Leu1232Phe (NM_015074.3); short protein forms L1278F, L1232F.
Identifiers: ClinVar variation 2144902 (VCV002144902.5), dbSNP rs1441479552, ClinGen allele CA338343211.
Genomic context (GRCh38, chr1:10,347,797, plus strand): 5'-TTCTTTTGCGTTTCTATTTTTTAGGTATATCCCAGCTGTGGTTGACCACACAGCAGGCTT[G>T]CCTTGCCAGGGGACATTTTTGCTTCATCAGGTACTAATGAGGGACCAAAACAGGCATCGG-3'
Protein context (NP_001352880.1, residues 1268-1288): IPAVVDHTAG[Leu1278Phe]PCQGTFLLHQ